The following is an entry in ClinVar:

NM_004268.5(MED17):c.1143G>C (p.Glu381Asp)

Gene: MED17 (mediator complex subunit 17; plus strand). Cytogenetic location: 11q21.
Variant type: single nucleotide variant.
Coding change: c.1143G>C on transcript NM_004268.5 (MANE Select); coding-DNA position 1143, G replaced by C.
Protein change: p.Glu381Asp; replaces glutamic acid 381 with aspartic acid.
Molecular consequence: missense variant.
Genome position (GRCh38, 1-based): chr11:93,796,540, G>C. VCF-style: chr11-93796540-G-C. GRCh37 (hg19) VCF-style: chr11-93529706-G-C.
Other names: short protein forms E381D.
Identifiers: ClinVar variation 3707386 (VCV003707386.2).

ClinVar aggregate classification (germline): Uncertain significance (1 of 4 stars; one submission).

gnomAD v4.1: 2 of 1,613,934 alleles (0.00012%); highest among the groups gnomAD compares: East Asian, 0.0045%; no homozygotes.

Submission:

Labcorp Genetics (formerly Invitae), Labcorp
Classification: Uncertain significance. Last evaluated: 2024-08-16. Review status: criteria provided, single submitter. Criteria: Invitae Variant Classification Sherloc (09022015). Collection method: clinical testing. Allele origin: germline.
Comment: This sequence change affects codon 381 of the MED17 mRNA. It is a 'silent' change, meaning that it does not change the encoded amino acid sequence of the MED17 protein. This variant also falls at the last nucleotide of exon 7, which is part of the consensus splice site for this exon. This variant is present in population databases (no rsID available, gnomAD 0.01%). This variant has not been reported in the literature in individuals affected with MED17-related conditions. An algorithm developed to predict the effect of missense changes on protein structure and function (PolyPhen-2) suggests that this variant is likely to be disruptive. Variants that disrupt the consensus splice site are a relatively common cause of aberrant splicing (PMID: 17576681, 9536098). Algorithms developed to predict the effect of sequence changes on RNA splicing suggest that this variant may disrupt the consensus splice site. In summary, the available evidence is currently insufficient to determine the role of this variant in disease. Therefore, it has been classified as a Variant of Uncertain Significance.

Literature cited by the submitters: PubMed 17576681; PubMed 9536098.